The following is an entry in ClinVar:

ClinVar aggregate classification (germline): Uncertain significance (1 of 4 stars; one submission).

Allele frequency attached by ClinVar (database versions not stated): ExAC 0.00001; gnomAD 0.00001.
gnomAD v4.1: 1 of 1,209,904 alleles (0.000083%); highest among the groups gnomAD compares: Non-Finnish European, 0.00011%; no homozygotes.

Submission:

Labcorp Genetics (formerly Invitae), Labcorp
Classification: Uncertain significance. Last evaluated: 2024-04-08. Review status: criteria provided, single submitter. Criteria: Invitae Variant Classification Sherloc (09022015). Collection method: clinical testing. Allele origin: germline.
Comment: This sequence change replaces glycine, which is neutral and non-polar, with glutamic acid, which is acidic and polar, at codon 521 of the AMER1 protein (p.Gly521Glu). The frequency data for this variant in the population databases is considered unreliable, as metrics indicate poor data quality at this position in the gnomAD database. This variant has not been reported in the literature in individuals affected with AMER1-related conditions. ClinVar contains an entry for this variant (Variation ID: 2117512). Algorithms developed to predict the effect of missense changes on protein structure and function output the following: SIFT: "Not Available"; PolyPhen-2: "Benign"; Align-GVGD: "Not Available". The glutamic acid amino acid residue is found in multiple mammalian species, which suggests that this missense change does not adversely affect protein function. In summary, the available evidence is currently insufficient to determine the role of this variant in disease. Therefore, it has been classified as a Variant of Uncertain Significance.

NM_152424.4(AMER1):c.1562G>A (p.Gly521Glu)

Gene: AMER1 (APC membrane recruitment protein 1; minus strand). Cytogenetic location: Xq11.2.
Variant type: single nucleotide variant.
Coding change: c.1562G>A on transcript NM_152424.4 (MANE Select); coding-DNA position 1562, G replaced by A.
Protein change: p.Gly521Glu; replaces glycine 521 with glutamic acid.
Molecular consequence: missense variant.
Genome position (GRCh38, 1-based): chrX:64,191,725, C>T on the plus strand (G>A on the coding strand, the complement: AMER1 is on the minus strand). VCF-style: chrX-64191725-C-T. GRCh37 (hg19) VCF-style: chrX-63411605-C-T.
Other names: short protein forms G521E.
Identifiers: ClinVar variation 2117512 (VCV002117512.4), dbSNP rs777705870, ClinGen allele CA10432320.